The following is an entry in ClinVar:

ClinVar aggregate classification (germline): Likely benign (1 of 4 stars; one submission).

Allele frequency attached by ClinVar (database versions not stated): gnomAD exomes 0.00055; 1000 Genomes Project 0.00559; gnomAD 0.00565 and 0.00607; 1000 Genomes Project 30x 0.00609; TOPMed 0.00632.

Submission:

GeneDx
Classification: Likely benign. Last evaluated: 2018-06-19. Review status: criteria provided, single submitter. Criteria: GeneDx Variant Classification (06012015). Collection method: clinical testing. Allele origin: germline. Affected: yes.
Comment: This variant is considered likely benign or benign based on one or more of the following criteria: it is a conservative change, it occurs at a poorly conserved position in the protein, it is predicted to be benign by multiple in silico algorithms, and/or has population frequency not consistent with disease.

NM_006996.3(SLC19A2):c.1366-55A>G

Gene: SLC19A2 (solute carrier family 19 member 2; minus strand). Cytogenetic location: 1q24.2.
Variant type: single nucleotide variant.
Coding change: c.1366-55A>G on transcript NM_006996.3 (MANE Select); 55 bases into the intron before coding-DNA position 1366, A replaced by G.
Molecular consequence: intron variant.
Genome position (GRCh38, 1-based): chr1:169,466,032, T>C on the plus strand (A>G on the coding strand, the complement: SLC19A2 is on the minus strand). VCF-style: chr1-169466032-T-C. GRCh37 (hg19) VCF-style: chr1-169435270-T-C.
Other names: c.763-55A>G (NM_001319667.1).
Identifiers: ClinVar variation 678746 (VCV000678746.1), dbSNP rs113759111, ClinGen allele CA32434881.